The following is an entry in ClinVar:

NM_006000.3(TUBA4A):c.618C>T (p.Asn206=)

Gene: TUBA4A (tubulin alpha 4a; minus strand). Cytogenetic location: 2q35.
Variant type: single nucleotide variant.
Coding change: c.618C>T on transcript NM_006000.3 (MANE Select); coding-DNA position 618, C replaced by T.
Protein change: p.Asn206=; no amino-acid change (asparagine 206 retained).
Molecular consequence: synonymous variant.
Genome position (GRCh38, 1-based): chr2:219,251,081, G>A on the plus strand (C>T on the coding strand, the complement: TUBA4A is on the minus strand). VCF-style: chr2-219251081-G-A. GRCh37 (hg19) VCF-style: chr2-220115803-G-A.
Other names: c.573C>T, p.Asn191= (NM_001278552.2).
Identifiers: ClinVar variation 3353185 (VCV003353185.1).
Genomic context (GRCh38, chr2:219,251,081, plus strand): 5'-GTTGGTGTAGGTTGGGCGCTCGATGTCTAGGTTGCGGCGGCAGATGTCATAGATTGCTTC[G>A]TTGTCCACCATGAAGGCACAGTCTGAGTGCTCCAGGGTGGTGTGGGTGGTCAGGATAGAG-3'
Protein context (NP_005991.1, residues 196-216): EHSDCAFMVD[Asn206=]EAIYDICRRN

ClinVar aggregate classification (germline): Likely benign (0 of 4 stars; one submission).

Conditions:
TUBA4A-related disorder. Also called: TUBA4A-related condition.

gnomAD v4.1: 75 of 1,614,190 alleles (0.0046%); highest among the groups gnomAD compares: Admixed American, 0.062%; 1 homozygote.

Submission:

PreventionGenetics, part of Exact Sciences
Classification: Likely benign for TUBA4A-related condition. Last evaluated: 2024-02-21. Review status: no assertion criteria provided. Collection method: clinical testing. Allele origin: germline.
Comment: This variant is classified as likely benign based on ACMG/AMP sequence variant interpretation guidelines (Richards et al. 2015 PMID: 25741868, with internal and published modifications).